The following is an entry in ClinVar:

ClinVar aggregate classification (germline): Uncertain significance. Review status: criteria provided, multiple submitters, no conflicts (2 of 4 stars). 3 submissions from 3 submitters: Uncertain significance (3). Last evaluated 2026-01-11.

Conditions:
Cardiomyopathy (CMYO). Also called: Cardiomyopathies. Identifiers: Orphanet 167848, MedGen C0878544, MONDO:0004994, HP:0001638. Inheritance: Various modes of inheritance.
Hypertrophic cardiomyopathy. Also called: HYPERTROPHIC MYOCARDIOPATHY. Identifiers: Orphanet 217569, MedGen C0007194, MeSH D002312, MONDO:0005045, HP:0001639.

Allele frequency attached by ClinVar (database versions not stated): gnomAD exomes below 0.00001; TOPMed below 0.00001.
gnomAD v4.1: 6 of 1,613,698 alleles (0.00037%); highest among the groups gnomAD compares: Non-Finnish European, 0.00042%; no homozygotes.

Submissions (3):

Labcorp Genetics (formerly Invitae), Labcorp
Classification: Uncertain significance for Hypertrophic cardiomyopathy. Last evaluated: 2026-01-11. Review status: criteria provided, single submitter. Criteria: Invitae Variant Classification Sherloc (09022015). Collection method: clinical testing. Allele origin: germline.
Comment: This sequence change replaces valine, which is neutral and non-polar, with isoleucine, which is neutral and non-polar, at codon 1231 of the MYH7 protein (p.Val1231Ile). This variant is not present in population databases (gnomAD no frequency). This variant has not been reported in the literature in individuals affected with MYH7-related conditions. ClinVar contains an entry for this variant (Variation ID: 2773906). Invitae Evidence Modeling of protein sequence and biophysical properties (such as structural, functional, and spatial information, amino acid conservation, physicochemical variation, residue mobility, and thermodynamic stability) has been performed for this missense variant. However, the output from this modeling did not meet the statistical confidence thresholds required to predict the impact of this variant on MYH7 protein function. In summary, the available evidence is currently insufficient to determine the role of this variant in disease. Therefore, it has been classified as a Variant of Uncertain Significance.

All of Us Research Program, National Institutes of Health
Classification: Uncertain significance for Cardiomyopathy. Last evaluated: 2024-05-30. Review status: criteria provided, single submitter. Criteria: ACMG Guidelines, 2015. Collection method: clinical testing. Allele origin: germline. Inheritance: Autosomal dominant inheritance. Observed: 1 variant allele, 1 heterozygote.
Comment: This missense variant replaces valine with isoleucine at codon 1231 of the MYH7 protein. Computational prediction suggests that this variant may not impact protein structure and function (internally defined REVEL score threshold <= 0.5, PMID: 27666373). To our knowledge, functional studies have not been reported for this variant. This variant has not been reported in individuals affected with cardiovascular disorders in the literature. This variant has not been identified in the general population by the Genome Aggregation Database (gnomAD). The available evidence is insufficient to determine the role of this variant in disease conclusively. Therefore, this variant is classified as a Variant of Uncertain Significance.

This study involves interpretation of variants in research participants for the purpose of population health screening. Participant phenotype was not available at the time of variant classification. Additional details can be found in publication PMID: 35346344, PMCID: PMC8962531

Color Diagnostics, LLC DBA Color Health
Classification: Uncertain significance for Cardiomyopathy. Last evaluated: 2024-03-06. Review status: criteria provided, single submitter. Criteria: ACMG Guidelines, 2015. Collection method: clinical testing. Allele origin: germline.
Comment: This missense variant replaces valine with isoleucine at codon 1231 of the MYH7 protein. Computational prediction suggests that this variant may not impact protein structure and function (internally defined REVEL score threshold <= 0.5, PMID: 27666373). To our knowledge, functional studies have not been reported for this variant. This variant has not been reported in individuals affected with cardiovascular disorders in the literature. This variant has not been identified in the general population by the Genome Aggregation Database (gnomAD). The available evidence is insufficient to determine the role of this variant in disease conclusively. Therefore, this variant is classified as a Variant of Uncertain Significance.

NM_000257.4(MYH7):c.3691G>A (p.Val1231Ile)

Gene: MYH7 (myosin heavy chain 7; minus strand). Cytogenetic location: 14q11.2.
Variant type: single nucleotide variant.
Coding change: c.3691G>A on transcript NM_000257.4 (MANE Select); coding-DNA position 3691, G replaced by A.
Protein change: p.Val1231Ile; replaces valine 1231 with isoleucine.
Molecular consequence: missense variant.
Genome position (GRCh38, 1-based): chr14:23,419,880, C>T on the plus strand (G>A on the coding strand, the complement: MYH7 is on the minus strand). VCF-style: chr14-23419880-C-T. GRCh37 (hg19) VCF-style: chr14-23889089-C-T.
Other names: c.3691G>A, p.Val1231Ile (NM_001407004.1); short protein forms V1231I.
Identifiers: ClinVar variation 2773906 (VCV002773906.4), dbSNP rs1892398214, ClinGen allele CA389043018.
Genomic context (GRCh38, chr14:23,419,880, plus strand): 5'-GGAGGGGAGGCCGAGCAGAGCCTGCCTTGGCCTTGATGATCTGCTCCATGTTGGAGGTGA[C>T]GTCATCCAGCTCCAGCTTGAACTCGCTCTTCTCCTTCTCCAGCTTCTGCTTCACCCGCTG-3'
Protein context (NP_000248.2, residues 1221-1241): KSEFKLELDD[Val1231Ile]TSNMEQIIKA